The following is an entry in ClinVar:

ClinVar aggregate classification (germline): Uncertain significance (1 of 4 stars; one submission).

Allele frequency attached by ClinVar (database versions not stated): ExAC 0.00001; gnomAD 0.00001; gnomAD exomes 0.00001; TOPMed 0.00002.
gnomAD v4.1: 20 of 1,613,934 alleles (0.0012%); highest among the groups gnomAD compares: African/African-American, 0.004%; no homozygotes.

Submissions (2):

Labcorp Genetics (formerly Invitae), Labcorp
Classification: Uncertain significance. Last evaluated: 2021-12-24. Review status: criteria provided, single submitter. Criteria: Invitae Variant Classification Sherloc (09022015). Collection method: clinical testing. Allele origin: germline.
Comment: In summary, the available evidence is currently insufficient to determine the role of this variant in disease. Therefore, it has been classified as a Variant of Uncertain Significance. Algorithms developed to predict the effect of sequence changes on RNA splicing suggest that this variant may create or strengthen a splice site. Algorithms developed to predict the effect of missense changes on protein structure and function output the following: SIFT: "Tolerated"; PolyPhen-2: "Benign"; Align-GVGD: "Class C0". The glutamine amino acid residue is found in multiple mammalian species, which suggests that this missense change does not adversely affect protein function. This variant has not been reported in the literature in individuals affected with WDR62-related conditions. The frequency data for this variant in the population databases is considered unreliable, as metrics indicate poor data quality at this position in the gnomAD database. This sequence change replaces arginine, which is basic and polar, with glutamine, which is neutral and polar, at codon 1120 of the WDR62 protein (p.Arg1120Gln).

Dr. Peter K. Rogan Lab, Western University
No classification provided (evidence only). Condition: Familial cancer of breast. Review status: no classification provided. Collection method: in vitro. Allele origin: not applicable. Functional consequence: retained intron. Not counted in ClinVar's aggregate classification.

NM_001083961.2(WDR62):c.3359G>A (p.Arg1120Gln)

Gene: WDR62 (WD repeat domain 62; plus strand). Cytogenetic location: 19q13.12.
Variant type: single nucleotide variant.
Coding change: c.3359G>A on transcript NM_001083961.2 (MANE Select); coding-DNA position 3359, G replaced by A.
Protein change: p.Arg1120Gln; replaces arginine 1120 with glutamine.
Molecular consequence: missense variant.
Genome position (GRCh38, 1-based): chr19:36,102,971, G>A. VCF-style: chr19-36102971-G-A. GRCh37 (hg19) VCF-style: chr19-36593873-G-A.
Other names: c.3344G>A, p.Arg1115Gln (NM_001411145.1, NM_173636.5); c.3110G>A, p.Arg1037Gln (NM_001411146.1); c.3008G>A, p.Arg1003Gln (NM_001411147.1); short protein forms R1115Q, R1120Q, R1003Q, R1037Q.
Identifiers: ClinVar variation 1907328 (VCV001907328.6), dbSNP rs772078670, ClinGen allele CA9396263.
Genomic context (GRCh38, chr19:36,102,971, plus strand): 5'-TGAATGAGAATCATCCCCCCTGCTCTCCTCCCCACAGGTTCACCCATACCTTCCCTCCCC[G>A]GGCAACCCAGTGCCTTGTGAAGTCTCCAGAGGTCAAGCTCATGGACCGAGGCGGAAGCCA-3'
Protein context (NP_001077430.1, residues 1110-1130): ASRFTHTFPP[Arg1120Gln]ATQCLVKSPE